The following is an entry in ClinVar:

ClinVar aggregate classification (germline): Uncertain significance (1 of 4 stars; one submission).

gnomAD v4.1: 1 of 1,613,980 alleles (0.000062%); highest among the groups gnomAD compares: African/African-American, 0.0013%; no homozygotes.

Submission:

Mayo Clinic Laboratories, Mayo Clinic
Classification: Uncertain significance. Last evaluated: 2023-08-29. Review status: criteria provided, single submitter. Criteria: ACMG Guidelines, 2015. Collection method: clinical testing. Allele origin: germline. Observed: 1 variant allele.
Comment: BP4, PM2

NM_182916.3(TRNT1):c.263A>G (p.Gln88Arg)

Gene: TRNT1 (tRNA nucleotidyl transferase 1; plus strand). Cytogenetic location: 3p26.2.
Variant type: single nucleotide variant.
Coding change: c.263A>G on transcript NM_182916.3 (MANE Select); coding-DNA position 263, A replaced by G.
Protein change: p.Gln88Arg; replaces glutamine 88 with arginine.
Molecular consequence: missense variant. On other transcripts: non-coding transcript variant (8).
Genome position (GRCh38, 1-based): chr3:3,137,374, A>G. VCF-style: chr3-3137374-A-G. GRCh37 (hg19) VCF-style: chr3-3179058-A-G.
Other names: p.Gln88Arg; c.263A>G, p.Gln88Arg (NM_001302946.2, NM_001367321.1, NM_001367322.1 and 1 more transcripts); short protein forms Q88R.
Identifiers: ClinVar variation 3379445 (VCV003379445.1).